The following is an entry in ClinVar:

NM_001083619.3(GRIA2):c.2375G>A (p.Gly792Glu)

Gene: GRIA2 (glutamate ionotropic receptor AMPA type subunit 2; plus strand). Cytogenetic location: 4q32.1.
Variant type: single nucleotide variant.
Coding change: c.2375G>A on transcript NM_001083619.3 (MANE Select); coding-DNA position 2375, G replaced by A.
Protein change: p.Gly792Glu; replaces glycine 792 with glutamic acid.
Molecular consequence: missense variant. On other transcripts: intron variant (3).
Genome position (GRCh38, 1-based): chr4:157,361,093, G>A. VCF-style: chr4-157361093-G-A. GRCh37 (hg19) VCF-style: chr4-158282245-G-A.
Other names: c.2234G>A, p.Gly745Glu (NM_001379000.3); c.2151-445G>A (NM_001379001.3, NM_001083620.3); c.2292-445G>A (NM_000826.6); short protein forms G745E, G792E.
Identifiers: ClinVar variation 1701007 (VCV001701007.4), dbSNP rs2127000875, ClinGen allele CA358650532.

ClinVar aggregate classification (germline): Pathogenic. Review status: criteria provided, multiple submitters, no conflicts (2 of 4 stars). 2 submissions from 2 submitters: Pathogenic (2). Last evaluated 2025-09-04.

Conditions:
Neurodevelopmental disorder with language impairment and behavioral abnormalities. Also called: GRIA2-related neurodevelopmental disorder. Identifiers: MedGen C5394502, MONDO:0030060, OMIM 618917.

Submissions (2):

GeneDx
Classification: Pathogenic. Last evaluated: 2025-09-04. Review status: criteria provided, single submitter. Criteria: GeneDx Variant Classification Process June 2021. Collection method: clinical testing. Allele origin: germline. Affected: yes.
Comment: Identified as a de novo variant with confirmed parentage or as an apparently de novo variant in patients with clinical features of GRIA2-related neurodevelopmental disorder referred for genetic testing at GeneDx; Not observed at significant frequency in large population cohorts (gnomAD); In silico analysis supports that this missense variant has a deleterious effect on protein structure/function; This variant is associated with the following publications: (PMID: 35982159, 33057194, 40391499)

Equipe Genetique des Anomalies du Developpement, Université de Bourgogne
Classification: Pathogenic for Neurodevelopmental disorder with language impairment and behavioral abnormalities. Last evaluated: 2019-09-25. Review status: criteria provided, single submitter. Criteria: ACMG Guidelines, 2015. Collection method: research. Allele origin: de novo. Affected: yes.